The following is an entry in ClinVar:

NM_004104.5(FASN):c.92A>G (p.Asp31Gly)

Gene: FASN (fatty acid synthase; minus strand). Cytogenetic location: 17q25.3.
Variant type: single nucleotide variant.
Coding change: c.92A>G on transcript NM_004104.5 (MANE Select); coding-DNA position 92, A replaced by G.
Protein change: p.Asp31Gly; replaces aspartic acid 31 with glycine.
Molecular consequence: missense variant.
Genome position (GRCh38, 1-based): chr17:82,096,354, T>C on the plus strand (A>G on the coding strand, the complement: FASN is on the minus strand). VCF-style: chr17-82096354-T-C. GRCh37 (hg19) VCF-style: chr17-80054230-T-C.
Other names: short protein forms D31G.
Identifiers: ClinVar variation 3642718 (VCV003642718.2).
Genomic context (GRCh38, chr17:82,096,354, plus strand): 5'-CACGGGGAGCCCCGCAGCCACATACCCGCCTTCCAGCGACGGTCATCGTCCGTGACCATG[T>C]CCACACCGCCGATGAGGTTGTCCCAGAACTCCTGCAAGTTCTCCGACTCTGGCAGCTTCC-3'
Protein context (NP_004095.4, residues 21-41): EFWDNLIGGV[Asp31Gly]MVTDDDRRWK

ClinVar aggregate classification (germline): Uncertain significance (1 of 4 stars; one submission).

Conditions:
Epileptic encephalopathy. Identifiers: MedGen C0543888, HP:0200134.

Submission:

Labcorp Genetics (formerly Invitae), Labcorp
Classification: Uncertain significance for Epileptic encephalopathy. Last evaluated: 2024-02-23. Review status: criteria provided, single submitter. Criteria: Invitae Variant Classification Sherloc (09022015). Collection method: clinical testing. Allele origin: germline.
Comment: This sequence change replaces aspartic acid, which is acidic and polar, with glycine, which is neutral and non-polar, at codon 31 of the FASN protein (p.Asp31Gly). This variant is not present in population databases (gnomAD no frequency). This variant has not been reported in the literature in individuals affected with FASN-related conditions. An algorithm developed to predict the effect of missense changes on protein structure and function (PolyPhen-2) suggests that this variant is likely to be disruptive. In summary, the available evidence is currently insufficient to determine the role of this variant in disease. Therefore, it has been classified as a Variant of Uncertain Significance.